The following is an entry in ClinVar:

ClinVar aggregate classification (germline): Likely pathogenic. Review status: criteria provided, multiple submitters, no conflicts (2 of 4 stars). 3 submissions from 3 submitters: Likely pathogenic (3). Last evaluated 2025-07-01.

Conditions:
Familial hypocalciuric hypercalcemia 1. Also called: Hypercalcemia, familial benign type 1. Identifiers: Orphanet 405, Orphanet 93372, MedGen C0342637, MONDO:0007791, OMIM 145980.
Neonatal severe primary hyperparathyroidism. Identifiers: Orphanet 417, MedGen C1832615, MONDO:0009397, OMIM 239200.

Submissions (3):

Mayo Clinic Laboratories, Mayo Clinic
Classification: Likely pathogenic. Last evaluated: 2025-07-01. Review status: criteria provided, single submitter. Criteria: ACMG Guidelines, 2015. Collection method: clinical testing. Allele origin: germline. Observed: 1 variant allele.
Comment: PP2, PP4, PM2_supporting, PM3, PS4_supporting

Genetics and Molecular Pathology, SA Pathology
Classification: Likely pathogenic for Familial hypocalciuric hypercalcemia 1. Last evaluated: 2021-05-21. Review status: criteria provided, single submitter. Criteria: ACMG Guidelines, 2015. Collection method: clinical testing. Allele origin: germline. Inheritance: Autosomal dominant inheritance. Affected: yes.

Victorian Clinical Genetics Services, Murdoch Childrens Research Institute
Classification: Likely pathogenic for Neonatal severe primary hyperparathyroidism. Last evaluated: 2021-05-06. Review status: criteria provided, single submitter. Criteria: ACMG Guidelines, 2015. Collection method: clinical testing. Allele origin: germline. Inheritance: Autosomal recessive inheritance. Affected: yes.
Comment: Based on the classification scheme VCGS_Germline_v1.3.4, this variant is classified as Likely pathogenic. Following criteria are met: 0103 - Dominant negative, loss of function and gain of function are known mechanisms of disease in this gene and are associated with CASR-related disease (OMIM). Truncating variants predicted to undergo nonsense-mediated decay, and missense variants with either a dominant negative or loss of function effect on protein function, have been reported to cause hypocalciuric hypercalcemia, type I (MIM#145980), and neonatal hyperparathyroidism (MIM#239200). Missense variants that have a gain of function effect on protein activity, have been reported to cause hypocalcemia, with or without Barrter syndrome (MIM#601198) (OMIM, PMID: 22422767, PMID: 26646938, PMID: 16649980). (I) 0108 - This gene is associated with both recessive and dominant disease. Recessive disease is caused by biallelic loss of function variants, and results in neonatal hyperparathyroidism (MIM#239200) (OMIM, PMID: 22422767, PMID: 26646938). (I) 0115 - Variants in this gene are known to have variable expressivity. Members of the same family have been reported to exhibit either hypercalcemia, hypocalciuric or hypercalciuric (OMIM). (I) 0200 - Variant is predicted to result in a missense amino acid change from asparagine to aspartic acid. (I) 0251 - This variant is heterozygous. (I) 0301 - Variant is absent from gnomAD (both v2 and v3). (SP) 0502 - Missense variant with conflicting in silico predictions and uninformative conservation. (I) 0600 - Variant is located in the annotated ligand binding domain (PDB, NCBI). Protein modelling has indicated that an agonist is expected to form a hydrogen bond with this residue (PMID: 32387992). (I) 0705 - No comparable missense variants have previous evidence for pathogenicity. Nearby missense variants (p.Arg66Cys, p.Arg66His, p.Cys60Tyr) have been reported as pathogenic and in patients with recessive disease (ClinVar, PMID: 33179231). (I) 0807 - This variant has no previous evidence of pathogenicity. (I) 0905 - No published segregation evidence has been identified for this variant. (I) 1007 - No published functional evidence has been identified for this variant. (I) 1101 - Very strong and specific phenotype match for this individual. (I) Legend: (SP) - Supporting pathogenic, (I) - Information, (SB) - Supporting benign

Literature cited by the submitters: PubMed 36707151 (cited by Mayo Clinic Laboratories, Mayo Clinic); PubMed 37291213 (cited by Mayo Clinic Laboratories, Mayo Clinic); PubMed 39129820 (cited by Mayo Clinic Laboratories, Mayo Clinic); PubMed 16649980 (cited by Victorian Clinical Genetics Services, Murdoch Childrens Research Institute); PubMed 22422767 (cited by Victorian Clinical Genetics Services, Murdoch Childrens Research Institute); PubMed 26646938 (cited by Victorian Clinical Genetics Services, Murdoch Childrens Research Institute); PubMed 32387992 (cited by Victorian Clinical Genetics Services, Murdoch Childrens Research Institute); PubMed 33179231 (cited by Victorian Clinical Genetics Services, Murdoch Childrens Research Institute).

NM_000388.4(CASR):c.190A>G (p.Asn64Asp)

Gene: CASR (calcium sensing receptor; plus strand). Cytogenetic location: 3q21.1.
Variant type: single nucleotide variant.
Coding change: c.190A>G on transcript NM_000388.4 (MANE Select); coding-DNA position 190, A replaced by G.
Protein change: p.Asn64Asp; replaces asparagine 64 with aspartic acid.
Molecular consequence: missense variant.
Genome position (GRCh38, 1-based): chr3:122,257,085, A>G. VCF-style: chr3-122257085-A-G. GRCh37 (hg19) VCF-style: chr3-121975932-A-G.
Other names: p.Asn64Asp; c.190A>G, p.Asn64Asp (NM_001178065.2); short protein forms N64D.
Identifiers: ClinVar variation 1698732 (VCV001698732.6), dbSNP rs2107627423, ClinGen allele CA354362345.